The following is an entry in ClinVar:

ClinVar aggregate classification (germline): Likely benign (1 of 4 stars; one submission).

Allele frequency attached by ClinVar (database versions not stated): gnomAD 0.00579; 1000 Genomes Project 0.00659; 1000 Genomes Project 30x 0.00718.
gnomAD v4.1: 868 of 152,112 alleles (0.57%); highest among the groups gnomAD compares: African/African-American, 2%; 4 homozygotes.

Submission:

GeneDx
Classification: Likely benign. Last evaluated: 2019-04-03. Review status: criteria provided, single submitter. Criteria: GeneDx Variant Classification Process June 2021. Collection method: clinical testing. Allele origin: germline. Affected: yes.
Comment: See Variant Classification Assertion Criteria.

NM_005228.5(EGFR):c.425-326A>G

Gene: EGFR (epidermal growth factor receptor; plus strand). Cytogenetic location: 7p11.2.
Variant type: single nucleotide variant.
Coding change: c.425-326A>G on transcript NM_005228.5 (MANE Select); 326 bases into the intron before coding-DNA position 425, A replaced by G.
Molecular consequence: intron variant.
Genome position (GRCh38, 1-based): chr7:55,146,280, A>G. VCF-style: chr7-55146280-A-G. GRCh37 (hg19) VCF-style: chr7-55213973-A-G.
Other names: c.424+2792A>G (NM_001346899.2, NM_001346897.2); c.89-9550A>G (NM_001346941.2); c.425-326A>G (NM_001346898.2, NM_201284.2, NM_201282.2 and 1 more transcripts); c.266-326A>G (NM_001346900.2).
Identifiers: ClinVar variation 1804566 (VCV001804566.1), dbSNP rs17336423, ClinGen allele CA158900783.